The following is an entry in ClinVar:

NM_002576.5(PAK1):c.334A>G (p.Ile112Val)

Gene: PAK1 (p21 (RAC1) activated kinase 1; minus strand). Cytogenetic location: 11q13.5.
Variant type: single nucleotide variant.
Coding change: c.334A>G on transcript NM_002576.5 (MANE Select); coding-DNA position 334, A replaced by G.
Protein change: p.Ile112Val; replaces isoleucine 112 with valine.
Molecular consequence: missense variant. On other transcripts: non-coding transcript variant (2), intron variant (1).
Genome position (GRCh38, 1-based): chr11:77,379,346, T>C on the plus strand (A>G on the coding strand, the complement: PAK1 is on the minus strand). VCF-style: chr11-77379346-T-C. GRCh37 (hg19) VCF-style: chr11-77090391-T-C.
Other names: c.334A>G, p.Ile112Val (NM_001376289.1, NM_001376290.1, NM_001376291.1 and 26 more transcripts); c.40A>G, p.Ile14Val (NM_001376302.1, NM_001376304.1, NM_001376305.1); c.191-4981A>G (NM_001376301.1); c.355A>G, p.Ile119Val (NM_001376272.1); short protein forms I112V, I119V, I14V.
Identifiers: ClinVar variation 4854562 (VCV004854562.1).

ClinVar aggregate classification (germline): Uncertain significance (1 of 4 stars; one submission).

Conditions:
Intellectual developmental disorder with macrocephaly, seizures, and speech delay. Identifiers: MedGen C4748428, MONDO:0032568, OMIM 618158.

Submission:

3billion
Classification: Uncertain significance for Intellectual developmental disorder with macrocephaly, seizures, and speech delay. Last evaluated: 2025-06-26. Review status: criteria provided, single submitter. Criteria: ACMG Guidelines, 2015. Collection method: clinical testing. Allele origin: germline. Affected: yes.
Comment: The variant is not observed in the gnomAD v4.1.0 dataset. Predicted Consequence/Location: Missense variant. Missense changes are a common disease-causing mechanism. In silico tool predictions suggest damaging effect of the variant on gene or gene product [REVEL: 0.75 (>=0.6, sensitivity 0.68 and specificity 0.92); 3Cnet: 0.99 (> 0.75, sensitivity 0.96 and precision 0.92)]. Therefore, this variant is classified as VUS according to the recommendation of ACMG/AMP guideline.